The following is an entry in ClinVar:

NM_000548.5(TSC2):c.1239A>C (p.Arg413Ser)

Gene: TSC2 (TSC complex subunit 2; plus strand). Cytogenetic location: 16p13.3.
Variant type: single nucleotide variant.
Coding change: c.1239A>C on transcript NM_000548.5 (MANE Select); coding-DNA position 1239, A replaced by C.
Protein change: p.Arg413Ser; replaces arginine 413 with serine.
Molecular consequence: missense variant. On other transcripts: 5 prime UTR variant (10), non-coding transcript variant (5).
Genome position (GRCh38, 1-based): chr16:2,061,990, A>C. VCF-style: chr16-2061990-A-C. GRCh37 (hg19) VCF-style: chr16-2111991-A-C.
Other names: c.1239A>C, p.Arg413Ser (NM_001406663.1, NM_001406664.1, NM_001406665.1 and 6 more transcripts); c.1329A>C, p.Arg443Ser (NM_001406667.1, NM_001406668.1); c.1128A>C, p.Arg376Ser (NM_001406670.1, NM_001318827.2, NM_001406678.1); c.1227A>C, p.Arg409Ser (NM_001406671.1, NM_001406673.1); c.1092A>C, p.Arg364Ser (NM_001406675.1, NM_001406676.1, NM_001318829.2 and 1 more transcripts); c.639A>C, p.Arg213Ser (NM_001318831.2, NM_001406680.1, NM_001406682.1 and 6 more transcripts); c.1272A>C, p.Arg424Ser (NM_001318832.2); c.1182A>C, p.Arg394Ser (NM_001406677.1); and 4 more; short protein forms R213S, R259S, R364S, R376S, R394S, R409S, R413S, R424S.
Identifiers: ClinVar variation 5020648 (VCV005020648.1).

ClinVar aggregate classification (germline): Uncertain significance (1 of 4 stars; one submission).

Conditions:
Tuberous sclerosis 2 (TSC2). Identifiers: Orphanet 805, MedGen C1860707, MONDO:0013199, OMIM 613254.

Submission:

Dasa
Classification: Uncertain significance for Tuberous sclerosis 2. Last evaluated: 2026-04-30. Review status: criteria provided, single submitter. Criteria: DASA Assertion Criteria. Collection method: clinical testing. Allele origin: germline.
Comment: NM_000548.5(TSC2):c.1239A>C (p.Arg413Ser) is a missense variant that results in the substitution of arginine with serine. This variant is rare in population databases. Computational prediction algorithms are consistent with a benign effect. The currently available literature and clinical evidence are not sufficient to establish a definitive association between this variant and the reported condition. Therefore, this variant is classified as a variant of uncertain significance.